The following is an entry in ClinVar:

NM_000260.4(MYO7A):c.147_148del (p.Pro50fs)

Gene: MYO7A (myosin VIIA; plus strand). Cytogenetic location: 11q13.5.
Variant type: Microsatellite.
Coding change: c.147_148del on transcript NM_000260.4 (MANE Select); coding-DNA positions 147 to 148, 2 bases deleted (TC; older notation c.147_148delTC).
Protein change: p.Pro50fs; shifts the reading frame from proline 50.
Molecular consequence: frameshift variant.
Genome position (GRCh38, 1-based): chr11:77,147,812-77,147,813, TC deleted; deleting any 2 consecutive bases within chr11:77,147,808-77,147,813 gives the same sequence; the c. name uses the placement nearest the transcript's 3' end. VCF-style (leftmost placement, unchanged base first): chr11-77147807-ATC-A. GRCh37 (hg19) VCF-style: chr11-76858853-ATC-A.
Other names: c.147_148del, p.Pro50fs (NM_001127180.2); c.114_115del, p.Pro39fs (NM_001369365.1); short protein forms P39fs, P50fs.
Identifiers: ClinVar variation 5013203 (VCV005013203.1).

ClinVar aggregate classification (germline): Pathogenic (1 of 4 stars; one submission).

Conditions:
Usher syndrome type 1 (USH1). Also called: RETINITIS PIGMENTOSA AND CONGENITAL DEAFNESS. Identifiers: Orphanet 231169, Orphanet 886, MedGen C1568247, MONDO:0010168, OMIM 276900.

Submission:

Myriad Genetics, Inc.
Classification: Pathogenic for Usher syndrome type 1. Last evaluated: 2024-06-18. Review status: criteria provided, single submitter. Criteria: Myriad Autosomal Dominant, Autosomal Recessive and X-Linked Classification Criteria (2023). Collection method: clinical testing. Allele origin: unknown.
Comment: NM_000260.3(MYO7A):c.147_148delTC(P50Afs*89) is expected to be pathogenic in the context of MYO7A-related disorders. This variant is predicted to lead to an abnormal or absent protein product due to the creation of a premature termination codon in MYO7A, a gene where loss-of-function variants are known to be pathogenic. Please note: this variant was assessed in the context of healthy population screening.